The following is an entry in ClinVar:

NM_001429.4(EP300):c.2817+2dup

Gene: EP300 (EP300 lysine acetyltransferase; plus strand). Cytogenetic location: 22q13.2.
Variant type: Duplication.
Coding change: c.2817+2dup on transcript NM_001429.4 (MANE Select); the canonical splice donor site of the intron after coding-DNA position 2817, one base duplicated (T; older notation c.2817+2dupT).
Molecular consequence: splice donor variant.
Genome position (GRCh38, 1-based): chr22:41,150,200, T duplicated. VCF-style (leftmost placement, unchanged base first): chr22-41150199-G-GT. GRCh37 (hg19) VCF-style: chr22-41546203-G-GT.
Other names: c.2739+2dup (NM_001362843.2).
Identifiers: ClinVar variation 4883955 (VCV004883955.2).

ClinVar aggregate classification (germline): Uncertain significance (1 of 4 stars; one submission).

Conditions:
Rubinstein-Taybi syndrome due to EP300 haploinsufficiency. Also called: RUBINSTEIN-TAYBI SYNDROME 2; EP300-Related Rubinstein-Taybi Syndrome. Identifiers: Orphanet 353284, Orphanet 783, MedGen C3150941, MONDO:0013364, OMIM 613684.

Submission:

Dasa
Classification: Uncertain significance for Rubinstein-Taybi syndrome due to EP300 haploinsufficiency. Last evaluated: 2025-06-18. Review status: criteria provided, single submitter. Criteria: DASA Assertion Criteria. Collection method: clinical testing. Allele origin: germline.
Comment: NM_001429.4(EP300):c.2817+2dup affects a canonical splice site and is predicted to disrupt normal RNA splicing. This variant is rare in population databases. The currently available literature and clinical evidence are not sufficient to establish a definitive association between this variant and the reported condition. Therefore, this variant is classified as a variant of uncertain significance.